The following is an entry in ClinVar:

ClinVar aggregate classification (germline): Likely pathogenic (1 of 4 stars; one submission).

Conditions:
Bethlem myopathy 1A. Also called: MYOPATHY, BENIGN CONGENITAL, WITH CONTRACTURES; Bethlem myopathy 1; Bethlem Muscular Dystrophy. Identifiers: Orphanet 610, MedGen CN029274, MONDO:0024530, OMIM 158810.

Submission:

Labcorp Genetics (formerly Invitae), Labcorp
Classification: Likely pathogenic for Bethlem myopathy 1A. Last evaluated: 2025-08-12. Review status: criteria provided, single submitter. Criteria: Invitae Variant Classification Sherloc (09022015). Collection method: clinical testing. Allele origin: germline.
Comment: This sequence change affects an acceptor splice site in intron 39 of the COL6A3 gene. It is expected to disrupt RNA splicing. Variants that disrupt the donor or acceptor splice site typically lead to a loss of protein function (PMID: 16199547), and loss-of-function variants in COL6A3 are known to be pathogenic (PMID: 26004199). This variant is not present in population databases (gnomAD no frequency). This variant has not been reported in the literature in individuals affected with COL6A3-related conditions. Algorithms developed to predict the effect of sequence changes on RNA splicing suggest that this variant may disrupt the consensus splice site. In summary, the currently available evidence indicates that the variant is pathogenic, but additional data are needed to prove that conclusively. Therefore, this variant has been classified as Likely Pathogenic.

Literature cited by the submitters: PubMed 16199547; PubMed 26004199.

NM_004369.4(COL6A3):c.8568-1G>A

Gene: COL6A3 (collagen type VI alpha 3 chain; minus strand). Cytogenetic location: 2q37.3.
Variant type: single nucleotide variant.
Coding change: c.8568-1G>A on transcript NM_004369.4 (MANE Select); the canonical splice acceptor site of the intron before coding-DNA position 8568, G replaced by A.
Molecular consequence: splice acceptor variant.
Genome position (GRCh38, 1-based): chr2:237,336,533, C>T on the plus strand (G>A on the coding strand, the complement: COL6A3 is on the minus strand). VCF-style: chr2-237336533-C-T. GRCh37 (hg19) VCF-style: chr2-238245176-C-T.
Other names: c.6747-1G>A (NM_057166.5); c.7950-1G>A (NM_057167.4).
Identifiers: ClinVar variation 4724655 (VCV004724655.1).